The following is an entry in ClinVar:

NM_000204.5(CFI):c.1392T>A (p.Asn464Lys)

Gene: CFI (complement factor I; minus strand). Cytogenetic location: 4q25.
Variant type: single nucleotide variant.
Coding change: c.1392T>A on transcript NM_000204.5 (MANE Select); coding-DNA position 1392, T replaced by A.
Protein change: p.Asn464Lys; replaces asparagine 464 with lysine.
Molecular consequence: missense variant. On other transcripts: non-coding transcript variant (2).
Genome position (GRCh38, 1-based): chr4:109,746,259, A>T on the plus strand (T>A on the coding strand, the complement: CFI is on the minus strand). VCF-style: chr4-109746259-A-T. GRCh37 (hg19) VCF-style: chr4-110667415-A-T.
Other names: c.1416T>A, p.Asn472Lys (NM_001318057.2, NM_001375278.1); c.1371T>A, p.Asn457Lys (NM_001331035.2, NM_001375280.1, NM_001375282.1); c.1392T>A, p.Asn464Lys (NM_001375279.1, NM_001375281.1); c.1335T>A, p.Asn445Lys (NM_001375283.1); c.783T>A, p.Asn261Lys (NM_001375284.1); short protein forms N261K, N445K, N457K, N464K, N472K.
Identifiers: ClinVar variation 1718685 (VCV001718685.5), dbSNP rs759927335, ClinGen allele CA357856625.

ClinVar aggregate classification (germline): Uncertain significance (1 of 4 stars; one submission).

Submission:

Labcorp Genetics (formerly Invitae), Labcorp
Classification: Uncertain significance. Last evaluated: 2022-09-02. Review status: criteria provided, single submitter. Criteria: Invitae Variant Classification Sherloc (09022015). Collection method: clinical testing. Allele origin: germline.
Comment: This variant is not present in population databases (gnomAD no frequency). This variant has not been reported in the literature in individuals affected with CFI-related conditions. Advanced modeling of protein sequence and biophysical properties (such as structural, functional, and spatial information, amino acid conservation, physicochemical variation, residue mobility, and thermodynamic stability) performed at Invitae indicates that this missense variant is not expected to disrupt CFI protein function. In summary, the available evidence is currently insufficient to determine the role of this variant in disease. Therefore, it has been classified as a Variant of Uncertain Significance. This sequence change replaces asparagine, which is neutral and polar, with lysine, which is basic and polar, at codon 464 of the CFI protein (p.Asn464Lys).